The following is an entry in ClinVar:

ClinVar aggregate classification (germline): Uncertain significance. Review status: criteria provided, multiple submitters, no conflicts (2 of 4 stars). 2 submissions from 2 submitters: Uncertain significance (2). Last evaluated 2025-10-08.

Conditions:
Inborn genetic diseases. Identifiers: MedGen C0950123, MeSH D030342.

Allele frequency attached by ClinVar (database versions not stated): TOPMed 0.00003; gnomAD exomes 0.00004 and 0.00006; gnomAD 0.00006; ExAC 0.00008.
gnomAD v4.1: 72 of 1,614,056 alleles (0.0045%); highest among the groups gnomAD compares: Non-Finnish European, 0.0055%; no homozygotes.

Submissions (2):

Labcorp Genetics (formerly Invitae), Labcorp
Classification: Uncertain significance. Last evaluated: 2025-10-08. Review status: criteria provided, single submitter. Criteria: Invitae Variant Classification Sherloc (09022015). Collection method: clinical testing. Allele origin: germline.
Comment: This sequence change replaces phenylalanine, which is neutral and non-polar, with leucine, which is neutral and non-polar, at codon 3567 of the ANK3 protein (p.Phe3567Leu). This variant is present in population databases (rs751975399, gnomAD 0.02%). This variant has not been reported in the literature in individuals affected with ANK3-related conditions. ClinVar contains an entry for this variant (Variation ID: 1397977). Invitae Evidence Modeling of protein sequence and biophysical properties (such as structural, functional, and spatial information, amino acid conservation, physicochemical variation, residue mobility, and thermodynamic stability) indicates that this missense variant is not expected to disrupt ANK3 protein function with a negative predictive value of 80%. In summary, the available evidence is currently insufficient to determine the role of this variant in disease. Therefore, it has been classified as a Variant of Uncertain Significance.

Ambry Genetics
Classification: Uncertain significance for Inborn genetic diseases. Last evaluated: 2023-11-07. Review status: criteria provided, single submitter. Criteria: Ambry Variant Classification Scheme 2023. Collection method: clinical testing. Allele origin: germline.

NM_020987.5(ANK3):c.10701T>G (p.Phe3567Leu)

Gene: ANK3 (ankyrin 3; minus strand). Cytogenetic location: 10q21.2.
Variant type: single nucleotide variant.
Coding change: c.10701T>G on transcript NM_020987.5 (MANE Select); coding-DNA position 10701, T replaced by G.
Protein change: p.Phe3567Leu; replaces phenylalanine 3567 with leucine.
Molecular consequence: missense variant. On other transcripts: intron variant (4).
Genome position (GRCh38, 1-based): chr10:60,070,180, A>C on the plus strand (T>G on the coding strand, the complement: ANK3 is on the minus strand). VCF-style: chr10-60070180-A-C. GRCh37 (hg19) VCF-style: chr10-61829938-A-C.
Other names: c.4388-2171T>G (NM_001204403.2); c.4409-2171T>G (NM_001204404.2); c.4406-2171T>G (NM_001320874.2); c.1808-2171T>G (NM_001149.4); c.10701T>G (NM_020987.3); short protein forms F3567L.
Identifiers: ClinVar variation 1397977 (VCV001397977.9), dbSNP rs751975399, ClinGen allele CA5511210.